The following is an entry in ClinVar:

NM_058216.3(RAD51C):c.184C>T (p.Gln62Ter)

Gene: RAD51C (RAD51 paralog C; plus strand). Cytogenetic location: 17q22.
Variant type: single nucleotide variant.
Coding change: c.184C>T on transcript NM_058216.3 (MANE Select); coding-DNA position 184, C replaced by T.
Protein change: p.Gln62Ter; replaces glutamine 62 with a stop codon.
Molecular consequence: nonsense. On other transcripts: non-coding transcript variant (2).
Genome position (GRCh38, 1-based): chr17:58,694,969, C>T. VCF-style: chr17-58694969-C-T. GRCh37 (hg19) VCF-style: chr17-56772330-C-T.
Other names: c.184C>T, p.Gln62Ter (NM_002876.4); short protein forms Q62*.
Identifiers: ClinVar variation 4862938 (VCV004862938.1).

ClinVar aggregate classification (germline): Pathogenic (1 of 4 stars; one submission).

Conditions:
Hereditary cancer-predisposing syndrome. Also called: Neoplastic Syndromes, Hereditary; Tumor predisposition; Hereditary Cancer Syndrome; Hereditary neoplastic syndrome. Identifiers: Orphanet 140162, MedGen C0027672, MeSH D009386, MONDO:0015356.

Submission:

Ambry Genetics
Classification: Pathogenic for Hereditary cancer-predisposing syndrome. Last evaluated: 2026-05-29. Review status: criteria provided, single submitter. Criteria: Ambry Variant Classification Scheme 2023. Collection method: clinical testing. Allele origin: germline.
Comment: The p.Q62* pathogenic mutation (also known as c.184C>T), located in coding exon 2 of the RAD51C gene, results from a C to T substitution at nucleotide position 184. This changes the amino acid from a glutamine to a stop codon within coding exon 2. This variant is considered to be rare based on population cohorts in the Genome Aggregation Database (gnomAD). This alteration is expected to result in loss of function by premature protein truncation or nonsense-mediated mRNA decay. As such, this alteration is interpreted as a disease-causing mutation.